The following is an entry in ClinVar:

NM_024529.5(CDC73):c.1048C>T (p.Pro350Ser)

Gene: CDC73 (cell division cycle 73; plus strand). Cytogenetic location: 1q31.2.
Variant type: single nucleotide variant.
Coding change: c.1048C>T on transcript NM_024529.5 (MANE Select); coding-DNA position 1048, C replaced by T.
Protein change: p.Pro350Ser; replaces proline 350 with serine.
Molecular consequence: missense variant.
Genome position (GRCh38, 1-based): chr1:193,212,082, C>T. VCF-style: chr1-193212082-C-T. GRCh37 (hg19) VCF-style: chr1-193181212-C-T.
Other names: short protein forms P350S.
Identifiers: ClinVar variation 403891 (VCV000403891.10), dbSNP rs773264613, ClinGen allele CA16609990.
Genomic context (GRCh38, chr1:193,212,082, plus strand): 5'-GGTTTTTATGACACAGAGTTGTGATTTTTTTTCTTTTTCACAGTTTCTCAAGCAAGACCT[C>T]CCCCAAATCAGAAGAAAGGTGAGGTTGTGCATATGATTTTAAACTTAACTTTAAAAAGTA-3'
Protein context (NP_078805.3, residues 340-360): VPRPVSQARP[Pro350Ser]PNQKKGSRTP

ClinVar aggregate classification (germline): Uncertain significance. Review status: criteria provided, multiple submitters, no conflicts (2 of 4 stars). 2 submissions from 2 submitters: Uncertain significance (2). Last evaluated 2024-07-11.

Conditions:
Hereditary cancer-predisposing syndrome. Also called: Neoplastic Syndromes, Hereditary; Hereditary Cancer Syndrome; Tumor predisposition; Hereditary neoplastic syndrome. Identifiers: Orphanet 140162, MedGen C0027672, MeSH D009386, MONDO:0015356.
Parathyroid carcinoma (PRTC). Also called: CDC73-Related Parathyroid Carcinoma; Parathyroid gland carcinoma. Identifiers: Orphanet 143, MedGen C0687150, MONDO:0012004, OMIM 608266, HP:0006780.

gnomAD v4.1: 1 of 1,585,010 alleles (0.000063%); highest among the groups gnomAD compares: Non-Finnish European, 0.000086%; no homozygotes.

Submissions (2):

Ambry Genetics
Classification: Uncertain significance for Hereditary cancer-predisposing syndrome. Last evaluated: 2024-07-11. Review status: criteria provided, single submitter. Criteria: Ambry Variant Classification Scheme 2023. Collection method: clinical testing. Allele origin: germline.
Comment: The p.P350S variant (also known as c.1048C>T), located in coding exon 12 of the CDC73 gene, results from a C to T substitution at nucleotide position 1048. The proline at codon 350 is replaced by serine, an amino acid with similar properties. This amino acid position is conserved. In addition, this alteration is predicted to be tolerated by in silico analysis. Based on the available evidence, the clinical significance of this variant remains unclear.

Labcorp Genetics (formerly Invitae), Labcorp
Classification: Uncertain significance for Parathyroid carcinoma. Last evaluated: 2016-06-21. Review status: criteria provided, single submitter. Criteria: Invitae Variant Classification Sherloc (09022015). Collection method: clinical testing. Allele origin: germline.
Comment: In summary, this variant is a novel missense change that is not predicted to affect protein function. There is no indication that it causes disease, but the available evidence is currently insufficient to prove that conclusively. Therefore, it has been classified as a Variant of Uncertain Significance. Algorithms developed to predict the effect of missense changes on protein structure and function (SIFT, PolyPhen-2, Align-GVGD) all suggest that this variant is likely to be tolerated, but these predictions have not been confirmed by published functional studies. This variant is not present in population databases (ExAC no frequency) and has not been reported in the literature in individuals with a CDC73-related disease. This sequence change replaces proline with serine at codon 350 of the CDC73 protein (p.Pro350Ser). The proline residue is moderately conserved and there is a moderate physicochemical difference between proline and serine.